The following is an entry in ClinVar:

ClinVar aggregate classification (germline): Conflicting classifications of pathogenicity. Review status: criteria provided, conflicting classifications (1 of 4 stars). 3 submissions from 3 submitters: Uncertain significance (2); Likely benign (1). Last evaluated 2026-08-05.

Conditions:
ALPK3-related disorder. Also called: ALPK3-related condition.
Cardiovascular phenotype. Identifiers: MedGen CN230736.

Allele frequency attached by ClinVar (database versions not stated): gnomAD 0.00001; ExAC 0.00002; gnomAD exomes 0.00002; TOPMed 0.00002.
gnomAD v4.1: 14 of 1,614,048 alleles (0.00087%); highest among the groups gnomAD compares: Admixed American, 0.012%; no homozygotes.

Submissions (3):

PreventionGenetics, part of Exact Sciences
Classification: Uncertain significance for ALPK3-related condition. Last evaluated: 2026-08-05. Review status: criteria provided, single submitter. Criteria: ACMG Guidelines, 2015. Collection method: clinical testing. Allele origin: germline.
Comment: The ALPK3 c.4469C>T variant is predicted to result in the amino acid substitution p.Ala1490Val. To our knowledge, this variant has not been reported in the literature. This variant is reported in 0.012% of alleles in individuals of Latino descent in gnomAD. At this time, the clinical significance of this variant is uncertain due to the absence of conclusive functional and genetic evidence.

Labcorp Genetics (formerly Invitae), Labcorp
Classification: Uncertain significance. Last evaluated: 2025-07-13. Review status: criteria provided, single submitter. Criteria: Invitae Variant Classification Sherloc (09022015). Collection method: clinical testing. Allele origin: germline.
Comment: This sequence change replaces alanine, which is neutral and non-polar, with valine, which is neutral and non-polar, at codon 1490 of the ALPK3 protein (p.Ala1490Val). This variant is present in population databases (rs761697260, gnomAD 0.01%). This variant has not been reported in the literature in individuals affected with ALPK3-related conditions. ClinVar contains an entry for this variant (Variation ID: 1497443). Invitae Evidence Modeling of protein sequence and biophysical properties (such as structural, functional, and spatial information, amino acid conservation, physicochemical variation, residue mobility, and thermodynamic stability) has been performed for this missense variant. However, the output from this modeling did not meet the statistical confidence thresholds required to predict the impact of this variant on ALPK3 protein function. In summary, the available evidence is currently insufficient to determine the role of this variant in disease. Therefore, it has been classified as a Variant of Uncertain Significance.

Ambry Genetics
Classification: Likely benign for Cardiovascular phenotype. Last evaluated: 2024-02-20. Review status: criteria provided, single submitter. Criteria: Ambry Variant Classification Scheme 2023. Collection method: clinical testing. Allele origin: germline.

NM_020778.5(ALPK3):c.3863C>T (p.Ala1288Val)

Gene: ALPK3 (alpha kinase 3; plus strand). Cytogenetic location: 15q25.3.
Variant type: single nucleotide variant.
Coding change: c.3863C>T on transcript NM_020778.5 (MANE Select); coding-DNA position 3863, C replaced by T.
Protein change: p.Ala1288Val; replaces alanine 1288 with valine.
Molecular consequence: missense variant.
Genome position (GRCh38, 1-based): chr15:84,859,288, C>T. VCF-style: chr15-84859288-C-T. GRCh37 (hg19) VCF-style: chr15-85402519-C-T.
Other names: c.4469C>T (NM_020778.4); short protein forms A1288V.
Identifiers: ClinVar variation 1497443 (VCV001497443.10), dbSNP rs761697260, ClinGen allele CA7709751.
Genomic context (GRCh38, chr15:84,859,288, plus strand): 5'-GGGCCCTGCTCTCAGCCCCACAGGTGATCCGGAAGATTCGGGTGGAGCAGTTTCCTGATG[C>T]CTCCGGTAGCCTGAAGCTGTGGTGCCAGTTTTTCAACATTCTTAGTGACTCAGTCTTGAC-3'
Protein context (NP_065829.4, residues 1278-1298): RKIRVEQFPD[Ala1288Val]SGSLKLWCQF